The following is an entry in ClinVar:

ClinVar aggregate classification (germline): Uncertain significance. Review status: criteria provided, multiple submitters, no conflicts (2 of 4 stars). 3 submissions from 3 submitters: Uncertain significance (3). Last evaluated 2026-03-20.

Conditions:
Rubinstein-Taybi syndrome (RSTS). Identifiers: Orphanet 783, MedGen C0035934, MONDO:0019188.
Inborn genetic diseases. Identifiers: MedGen C0950123, MeSH D030342.
CREBBP-related disorder. Also called: CREBBP-related condition; CREBBP-related disorders.

gnomAD v4.1: 4 of 1,604,472 alleles (0.00025%); highest among the groups gnomAD compares: Admixed American, 0.0035%; no homozygotes.

Submissions (3):

PreventionGenetics, part of Exact Sciences
Classification: Uncertain significance for CREBBP-related condition. Last evaluated: 2026-03-20. Review status: criteria provided, single submitter. Criteria: ACMG Guidelines, 2015. Collection method: clinical testing. Allele origin: germline.
Comment: The CREBBP c.4943C>A variant is predicted to result in the amino acid substitution p.Pro1648His. To our knowledge, this variant has not been reported in the literature or in a large population database, indicating this variant is rare. At this time, the clinical significance of this variant is uncertain due to the absence of conclusive functional and genetic evidence.

Ambry Genetics
Classification: Uncertain significance for Inborn genetic diseases. Last evaluated: 2024-09-11. Review status: criteria provided, single submitter. Criteria: Ambry Variant Classification Scheme 2023. Collection method: clinical testing. Allele origin: germline.

Labcorp Genetics (formerly Invitae), Labcorp
Classification: Uncertain significance for Rubinstein-Taybi syndrome. Last evaluated: 2023-06-15. Review status: criteria provided, single submitter. Criteria: Invitae Variant Classification Sherloc (09022015). Collection method: clinical testing. Allele origin: germline.
Comment: This sequence change replaces proline, which is neutral and non-polar, with histidine, which is basic and polar, at codon 1648 of the CREBBP protein (p.Pro1648His). This variant is not present in population databases (gnomAD no frequency). This variant has not been reported in the literature in individuals affected with CREBBP-related conditions. Advanced modeling of protein sequence and biophysical properties (such as structural, functional, and spatial information, amino acid conservation, physicochemical variation, residue mobility, and thermodynamic stability) has been performed at Invitae for this missense variant, however the output from this modeling did not meet the statistical confidence thresholds required to predict the impact of this variant on CREBBP protein function. In summary, the available evidence is currently insufficient to determine the role of this variant in disease. Therefore, it has been classified as a Variant of Uncertain Significance.

NM_004380.3(CREBBP):c.4943C>A (p.Pro1648His)

Gene: CREBBP (CREB binding lysine acetyltransferase; minus strand). Cytogenetic location: 16p13.3.
Variant type: single nucleotide variant.
Coding change: c.4943C>A on transcript NM_004380.3 (MANE Select); coding-DNA position 4943, C replaced by A.
Protein change: p.Pro1648His; replaces proline 1648 with histidine.
Molecular consequence: missense variant.
Genome position (GRCh38, 1-based): chr16:3,731,421, G>T on the plus strand (C>A on the coding strand, the complement: CREBBP is on the minus strand). VCF-style: chr16-3731421-G-T. GRCh37 (hg19) VCF-style: chr16-3781422-G-T.
Other names: c.4943C>A (NM_004380.2); c.4829C>A, p.Pro1610His (NM_001079846.1); short protein forms P1610H, P1648H.
Identifiers: ClinVar variation 2970208 (VCV002970208.5), dbSNP rs1181588652, ClinGen allele CA394558961.